The following is an entry in ClinVar:

NM_138576.4(BCL11B):c.2499C>G (p.Cys833Trp)

Gene: BCL11B (BCL11 transcription factor B; minus strand). Cytogenetic location: 14q32.2.
Variant type: single nucleotide variant.
Coding change: c.2499C>G on transcript NM_138576.4 (MANE Select); coding-DNA position 2499, C replaced by G.
Protein change: p.Cys833Trp; replaces cysteine 833 with tryptophan.
Molecular consequence: missense variant.
Genome position (GRCh38, 1-based): chr14:99,174,337, G>C on the plus strand (C>G on the coding strand, the complement: BCL11B is on the minus strand). VCF-style: chr14-99174337-G-C. GRCh37 (hg19) VCF-style: chr14-99640674-G-C.
Other names: c.2496C>G, p.Cys832Trp (NM_001282237.2); c.2283C>G, p.Cys761Trp (NM_001282238.2); c.2286C>G, p.Cys762Trp (NM_022898.3); short protein forms C761W, C762W, C832W, C833W.
Identifiers: ClinVar variation 5020254 (VCV005020254.1).

ClinVar aggregate classification (germline): Uncertain significance (1 of 4 stars; one submission).

Submission:

Dasa
Classification: Uncertain significance. Last evaluated: 2026-07-04. Review status: criteria provided, single submitter. Criteria: DASA Assertion Criteria. Collection method: clinical testing. Allele origin: germline.
Comment: NM_138576.4(BCL11B):c.2499C>G (p.Cys833Trp) is a missense variant that results in the substitution of cysteine with tryptophan. This variant is absent from population databases. The currently available literature and clinical evidence are not sufficient to establish a definitive association between this variant and the reported condition. Therefore, this variant is classified as a variant of uncertain significance.